The following is an entry in ClinVar:

NM_000497.4(CYP11B1):c.332T>A (p.Met111Lys)

Gene: CYP11B1 (cytochrome P450 family 11 subfamily B member 1; minus strand). Cytogenetic location: 8q24.3.
Variant type: single nucleotide variant.
Coding change: c.332T>A on transcript NM_000497.4 (MANE Select); coding-DNA position 332, T replaced by A.
Protein change: p.Met111Lys; replaces methionine 111 with lysine.
Molecular consequence: missense variant.
Genome position (GRCh38, 1-based): chr8:142,879,095, A>T on the plus strand (T>A on the coding strand, the complement: CYP11B1 is on the minus strand). VCF-style: chr8-142879095-A-T. GRCh37 (hg19) VCF-style: chr8-143960511-A-T.
Other names: c.332T>A, p.Met111Lys (NM_001026213.1); short protein forms M111K.
Identifiers: ClinVar variation 3713693 (VCV003713693.2).

ClinVar aggregate classification (germline): Uncertain significance (1 of 4 stars; one submission).

Submission:

Labcorp Genetics (formerly Invitae), Labcorp
Classification: Uncertain significance. Last evaluated: 2024-09-14. Review status: criteria provided, single submitter. Criteria: Invitae Variant Classification Sherloc (09022015). Collection method: clinical testing. Allele origin: germline.
Comment: This sequence change replaces methionine, which is neutral and non-polar, with lysine, which is basic and polar, at codon 111 of the CYP11B1 protein (p.Met111Lys). This variant is not present in population databases (gnomAD no frequency). This variant has not been reported in the literature in individuals affected with CYP11B1-related conditions. An algorithm developed to predict the effect of missense changes on protein structure and function outputs the following: PolyPhen-2: "Benign". The lysine amino acid residue is found in multiple mammalian species, which suggests that this missense change does not adversely affect protein function. In summary, the available evidence is currently insufficient to determine the role of this variant in disease. Therefore, it has been classified as a Variant of Uncertain Significance.